The following is an entry in ClinVar:

ClinVar aggregate classification (germline): Uncertain significance. Review status: criteria provided, multiple submitters, no conflicts (2 of 4 stars). 3 submissions from 3 submitters: Uncertain significance (3). Last evaluated 2025-11-06.

Conditions:
RYR1-related disorder. Also called: RYR1-related disorders; RYR1-related condition. Identifiers: MedGen CN239331.
Malignant hyperthermia, susceptibility to, 1 (MHS1). Also called: RYR1-Related Malignant Hyperthermia Susceptibility; Malignant hyperthermia suceptibility 1; Anesthesia related hyperthermia; Malignant hyperpyrexia; Fulminating hyperpyrexia; Pharmacogenic myopathy. Identifiers: Orphanet 423, MedGen C2930980, MONDO:0007783, OMIM 145600.

Allele frequency attached by ClinVar (database versions not stated): gnomAD exomes below 0.00001; TOPMed below 0.00001.
gnomAD v4.1: 2 of 1,614,048 alleles (0.00012%); highest among the groups gnomAD compares: Non-Finnish European, 0.00017%; no homozygotes.

Submissions (3):

Labcorp Genetics (formerly Invitae), Labcorp
Classification: Uncertain significance for RYR1-related disorder. Last evaluated: 2025-11-06. Review status: criteria provided, single submitter. Criteria: Invitae Variant Classification Sherloc (09022015). Collection method: clinical testing. Allele origin: germline.
Comment: This sequence change replaces threonine, which is neutral and polar, with isoleucine, which is neutral and non-polar, at codon 3059 of the RYR1 protein (p.Thr3059Ile). This variant is not present in population databases (gnomAD no frequency). This variant has not been reported in the literature in individuals affected with RYR1-related conditions. ClinVar contains an entry for this variant (Variation ID: 573776). Invitae Evidence Modeling of protein sequence and biophysical properties (such as structural, functional, and spatial information, amino acid conservation, physicochemical variation, residue mobility, and thermodynamic stability) indicates that this missense variant is not expected to disrupt RYR1 protein function with a negative predictive value of 80%. In summary, the available evidence is currently insufficient to determine the role of this variant in disease. Therefore, it has been classified as a Variant of Uncertain Significance.

All of Us Research Program, National Institutes of Health
Classification: Uncertain significance for Malignant hyperthermia, susceptibility to, 1. Last evaluated: 2024-08-13. Review status: criteria provided, single submitter. Criteria: ACMG Guidelines, 2015. Collection method: clinical testing. Allele origin: germline. Inheritance: Autosomal dominant inheritance. Observed: 2 variant alleles, 2 heterozygotes.
Comment: This missense variant replaces threonine with isoleucine at codon 3059 of the RYR1 protein. Computational prediction tool indicates that this variant may have a neutral impact on protein structure and function. To our knowledge, functional studies have not been reported for this variant. This variant has not been reported in individuals affected with RYR1-related disorders in the literature. This variant has not been identified in the general population by the Genome Aggregation Database (gnomAD). The available evidence is insufficient to determine the role of this variant in disease conclusively. Therefore, this variant is classified as a Variant of Uncertain Significance.

This study involves interpretation of variants in research participants for the purpose of population health screening. Participant phenotype was not available at the time of variant classification. Additional details can be found in publication PMID: 35346344, PMCID: PMC8962531

Color Diagnostics, LLC DBA Color Health
Classification: Uncertain significance for Malignant hyperthermia, susceptibility to, 1. Last evaluated: 2024-03-06. Review status: criteria provided, single submitter. Criteria: ACMG Guidelines, 2015. Collection method: clinical testing. Allele origin: germline.
Comment: This missense variant replaces threonine with isoleucine at codon 3059 of the RYR1 protein. Computational prediction tool indicates that this variant may have a neutral impact on protein structure and function. To our knowledge, functional studies have not been reported for this variant. This variant has not been reported in individuals affected with RYR1-related disorders in the literature. This variant has not been identified in the general population by the Genome Aggregation Database (gnomAD). The available evidence is insufficient to determine the role of this variant in disease conclusively. Therefore, this variant is classified as a Variant of Uncertain Significance.

NM_000540.3(RYR1):c.9176C>T (p.Thr3059Ile)

Gene: RYR1 (ryanodine receptor 1; plus strand). Cytogenetic location: 19q13.2.
Variant type: single nucleotide variant.
Coding change: c.9176C>T on transcript NM_000540.3 (MANE Select); coding-DNA position 9176, C replaced by T.
Protein change: p.Thr3059Ile; replaces threonine 3059 with isoleucine.
Molecular consequence: missense variant.
Genome position (GRCh38, 1-based): chr19:38,512,075, C>T. VCF-style: chr19-38512075-C-T. GRCh37 (hg19) VCF-style: chr19-39002715-C-T.
Other names: c.9176C>T, p.Thr3059Ile (NM_001042723.2); short protein forms T3059I.
Identifiers: ClinVar variation 573776 (VCV000573776.11), dbSNP rs1194961735, ClinGen allele CA405685300.